The following is an entry in ClinVar:

NM_153700.2(STRC):c.3401T>G (p.Leu1134Arg)

Gene: STRC (stereocilin; minus strand). Cytogenetic location: 15q15.3.
Variant type: single nucleotide variant.
Coding change: c.3401T>G on transcript NM_153700.2 (MANE Select); coding-DNA position 3401, T replaced by G.
Protein change: p.Leu1134Arg; replaces leucine 1134 with arginine.
Molecular consequence: missense variant.
Genome position (GRCh38, 1-based): chr15:43,610,409, A>C on the plus strand (T>G on the coding strand, the complement: STRC is on the minus strand). VCF-style: chr15-43610409-A-C. GRCh37 (hg19) VCF-style: chr15-43902607-A-C.
Other names: short protein forms L1134R.
Identifiers: ClinVar variation 505539 (VCV000505539.5), dbSNP rs1555447461, ClinGen allele CA392172659.
Genomic context (GRCh38, chr15:43,610,409, plus strand): 5'-CGATTTGCCAGAAGAGCCAAGGAATCCAGTTGTAGCAGCTTTAATGGGAGCAGGGGAAGC[A>C]GGCAGTCTGGCCAGGTGGTGGGAATAGGCTGCTGGCGGTGATGGGTATAGCAGTGTAGTG-3'
Protein context (NP_714544.1, residues 1124-1144): QPIPTTWPDC[Leu1134Arg]LPLLPLKLLQ

ClinVar aggregate classification (germline): Uncertain significance (1 of 4 stars; one submission).

Submission:

Laboratory for Molecular Medicine, Mass General Brigham Personalized Medicine
Classification: Uncertain significance. Last evaluated: 2017-01-17. Review status: criteria provided, single submitter. Criteria: LMM Criteria. Collection method: clinical testing. Allele origin: germline. Observed: 1 variant allele.
Comment: The p.Leu1134Arg variant in STRC has not been previously reported in individuals with hearing loss. Data from large population studies are insufficient to asses s the frequency of this variant in the general population. Computational predict ion tools and conservation analysis suggest that the variant may impact the prot ein, though this information is not predictive enough to determine pathogenicity . In summary, the clinical significance of the p.Leu1134Arg variant is uncertain .